The following is an entry in ClinVar:

NM_000245.4(MET):c.2491T>C (p.Phe831Leu)

Gene: MET (MET proto-oncogene, receptor tyrosine kinase; plus strand). Cytogenetic location: 7q31.2.
Variant type: single nucleotide variant.
Coding change: c.2491T>C on transcript NM_000245.4 (MANE Select); coding-DNA position 2491, T replaced by C.
Protein change: p.Phe831Leu; replaces phenylalanine 831 with leucine.
Molecular consequence: missense variant.
Genome position (GRCh38, 1-based): chr7:116,763,176, T>C. VCF-style: chr7-116763176-T-C. GRCh37 (hg19) VCF-style: chr7-116403230-T-C.
Other names: c.2545T>C, p.Phe849Leu (NM_001127500.3); c.2491T>C, p.Phe831Leu (NM_001324401.3); c.1201T>C, p.Phe401Leu (NM_001324402.2); short protein forms F401L, F831L, F849L.
Identifiers: ClinVar variation 3395149 (VCV003395149.1).

ClinVar aggregate classification (germline): Uncertain significance (1 of 4 stars; one submission).

Conditions:
Hereditary cancer-predisposing syndrome. Also called: Hereditary Cancer Syndrome; Tumor predisposition; Hereditary neoplastic syndrome; Neoplastic Syndromes, Hereditary. Identifiers: Orphanet 140162, MedGen C0027672, MeSH D009386, MONDO:0015356.

Submission:

Ambry Genetics
Classification: Uncertain significance for Hereditary cancer-predisposing syndrome. Last evaluated: 2024-09-08. Review status: criteria provided, single submitter. Criteria: Ambry Variant Classification Scheme 2023. Collection method: clinical testing. Allele origin: germline.
Comment: The p.F849L variant (also known as c.2545T>C), located in coding exon 10 of the MET gene, results from a T to C substitution at nucleotide position 2545. The phenylalanine at codon 849 is replaced by leucine, an amino acid with highly similar properties. This amino acid position is conserved. In addition, the in silico prediction for this alteration is inconclusive. Based on the available evidence, the clinical significance of this variant remains unclear.